The following is an entry in ClinVar:

ClinVar aggregate classification (germline): Uncertain significance (1 of 4 stars; one submission).

Submission:

Labcorp Genetics (formerly Invitae), Labcorp
Classification: Uncertain significance. Last evaluated: 2022-07-19. Review status: criteria provided, single submitter. Criteria: Invitae Variant Classification Sherloc (09022015). Collection method: clinical testing. Allele origin: germline.
Comment: This variant is a gross deletion of the genomic region encompassing exon(s) 15-22 of the A2ML1 gene. This deletion is out-of-frame, and is expected to create a premature translational stop signal and result in an absent or disrupted protein product. However, the current clinical and genetic evidence is not sufficient to establish whether loss-of-function variants in A2ML1 cause disease. In summary, the available evidence is currently insufficient to determine the role of this variant in disease. Therefore, it has been classified as a Variant of Uncertain Significance. This variant has not been reported in the literature in individuals affected with A2ML1-related conditions.

NC_000012.11:g.(?_9000125)_(9007447_?)del

Gene: A2ML1 (alpha-2-macroglobulin like 1; plus strand). Cytogenetic location: 12p13.31.
Variant type: Deletion.
Identifiers: ClinVar variation 2427303 (VCV002427303.4).